The following is an entry in ClinVar:

NM_020631.6(PLEKHG5):c.154C>G (p.Arg52Gly)

Gene: PLEKHG5 (pleckstrin homology and RhoGEF domain containing G5; minus strand). Cytogenetic location: 1p36.31.
Variant type: single nucleotide variant.
Coding change: c.154C>G on transcript NM_020631.6 (MANE Select); coding-DNA position 154, C replaced by G.
Protein change: p.Arg52Gly; replaces arginine 52 with glycine.
Molecular consequence: missense variant.
Genome position (GRCh38, 1-based): chr1:6,475,518, G>C on the plus strand (C>G on the coding strand, the complement: PLEKHG5 is on the minus strand). VCF-style: chr1-6475518-G-C. GRCh37 (hg19) VCF-style: chr1-6535578-G-C.
Other names: c.265C>G, p.Arg89Gly (NM_001042663.3, NM_001265592.2); c.154C>G, p.Arg52Gly (NM_001042664.2, NM_001042665.2, NM_001265594.3 and 1 more transcripts); c.361C>G, p.Arg121Gly (NM_001265593.2); short protein forms R121G, R89G, R52G.
Identifiers: ClinVar variation 1410959 (VCV001410959.8), dbSNP rs777277703, ClinGen allele CA338140713.

ClinVar aggregate classification (germline): Uncertain significance (1 of 4 stars; one submission).

Conditions:
Charcot-Marie-Tooth disease recessive intermediate C. Also called: CHARCOT-MARIE-TOOTH NEUROPATHY, RECESSIVE INTERMEDIATE C. Identifiers: Orphanet 369867, MedGen C3809309, MONDO:0014154, OMIM 615376.
Neuronopathy, distal hereditary motor, autosomal recessive 4. Also called: Autosomal recessive lower motor neuron disease with childhood onset; NEUROPATHY, DISTAL HEREDITARY MOTOR, AUTOSOMAL RECESSIVE 4. Identifiers: Orphanet 206580, MedGen C1970211, MONDO:0012608, OMIM 611067.

gnomAD v4.1: 10 of 1,613,140 alleles (0.00062%); highest among the groups gnomAD compares: Non-Finnish European, 0.00085%; no homozygotes.

Submission:

Labcorp Genetics (formerly Invitae), Labcorp
Classification: Uncertain significance for Neuronopathy, distal hereditary motor, autosomal recessive 4; Charcot-Marie-Tooth disease recessive intermediate C. Last evaluated: 2023-12-21. Review status: criteria provided, single submitter. Criteria: Invitae Variant Classification Sherloc (09022015). Collection method: clinical testing. Allele origin: germline.
Comment: This sequence change replaces arginine, which is basic and polar, with glycine, which is neutral and non-polar, at codon 52 of the PLEKHG5 protein (p.Arg52Gly). This variant is present in population databases (no rsID available, gnomAD 0.0009%). This variant has not been reported in the literature in individuals affected with PLEKHG5-related conditions. ClinVar contains an entry for this variant (Variation ID: 1410959). An algorithm developed to predict the effect of missense changes on protein structure and function (PolyPhen-2) suggests that this variant is likely to be tolerated. In summary, the available evidence is currently insufficient to determine the role of this variant in disease. Therefore, it has been classified as a Variant of Uncertain Significance.